The following is an entry in ClinVar:

ClinVar aggregate classification (germline): Uncertain significance (1 of 4 stars; one submission).

Submission:

Labcorp Genetics (formerly Invitae), Labcorp
Classification: Uncertain significance. Last evaluated: 2023-04-29. Review status: criteria provided, single submitter. Criteria: Invitae Variant Classification Sherloc (09022015). Collection method: clinical testing. Allele origin: germline.
Comment: In summary, the available evidence is currently insufficient to determine the role of this variant in disease. Therefore, it has been classified as a Variant of Uncertain Significance. Advanced modeling of protein sequence and biophysical properties (such as structural, functional, and spatial information, amino acid conservation, physicochemical variation, residue mobility, and thermodynamic stability) performed at Invitae indicates that this missense variant is not expected to disrupt HIVEP2 protein function. This variant has not been reported in the literature in individuals affected with HIVEP2-related conditions. This variant is not present in population databases (gnomAD no frequency). This sequence change replaces threonine, which is neutral and polar, with alanine, which is neutral and non-polar, at codon 1715 of the HIVEP2 protein (p.Thr1715Ala).

NM_006734.4(HIVEP2):c.5143A>G (p.Thr1715Ala)

Gene: HIVEP2 (HIVEP zinc finger 2; minus strand). Cytogenetic location: 6q24.2.
Variant type: single nucleotide variant.
Coding change: c.5143A>G on transcript NM_006734.4 (MANE Select); coding-DNA position 5143, A replaced by G.
Protein change: p.Thr1715Ala; replaces threonine 1715 with alanine.
Molecular consequence: missense variant.
Genome position (GRCh38, 1-based): chr6:142,769,596, T>C on the plus strand (A>G on the coding strand, the complement: HIVEP2 is on the minus strand). VCF-style: chr6-142769596-T-C. GRCh37 (hg19) VCF-style: chr6-143090733-T-C.
Other names: short protein forms T1715A.
Identifiers: ClinVar variation 2860625 (VCV002860625.3), dbSNP rs2482816813, ClinGen allele CA365894506.